The following is an entry in ClinVar:

NM_032806.6(POMGNT2):c.1406C>T (p.Pro469Leu)

Gene: POMGNT2 (protein O-linked mannose N-acetylglucosaminyltransferase 2 (beta 1,4-); minus strand). Cytogenetic location: 3p22.1.
Variant type: single nucleotide variant.
Coding change: c.1406C>T on transcript NM_032806.6 (MANE Select); coding-DNA position 1406, C replaced by T.
Protein change: p.Pro469Leu; replaces proline 469 with leucine.
Molecular consequence: missense variant.
Genome position (GRCh38, 1-based): chr3:43,080,026, G>A on the plus strand (C>T on the coding strand, the complement: POMGNT2 is on the minus strand). VCF-style: chr3-43080026-G-A. GRCh37 (hg19) VCF-style: chr3-43121518-G-A.
Other names: p.Pro469Leu; c.1406C>T (NM_032806.5, NM_032806.4); short protein forms P469L.
Identifiers: ClinVar variation 1025516 (VCV001025516.4), dbSNP rs369787177, ClinGen allele CA2339849.

ClinVar aggregate classification (germline): Uncertain significance. Review status: criteria provided, multiple submitters, no conflicts (2 of 4 stars). 3 submissions from 3 submitters: Uncertain significance (3). Last evaluated 2025-09-25.

Conditions:
Inborn genetic diseases. Identifiers: MedGen C0950123, MeSH D030342.
Muscular dystrophy-dystroglycanopathy (congenital with brain and eye anomalies), type a, 8 (MDDGA8). Also called: WALKER-WARBURG SYNDROME OR MUSCLE-EYE-BRAIN DISEASE, GTDC2-RELATED. Identifiers: Orphanet 899, MedGen C3553813, MONDO:0013904, OMIM 614830.

Allele frequency attached by ClinVar (database versions not stated): gnomAD exomes below 0.00001 and 0.00002; TOPMed 0.00003; gnomAD 0.00006 and 0.00005; ExAC 0.00003; ESP Exome Variant Server 0.00008.
gnomAD v4.1: 12 of 1,613,754 alleles (0.00074%); highest among the groups gnomAD compares: African/African-American, 0.015%; no homozygotes.

Submissions (3):

Ambry Genetics
Classification: Uncertain significance for Inborn genetic diseases. Last evaluated: 2025-09-25. Review status: criteria provided, single submitter. Criteria: Ambry Variant Classification Scheme 2023. Collection method: clinical testing. Allele origin: germline.

Labcorp Genetics (formerly Invitae), Labcorp
Classification: Uncertain significance for Muscular dystrophy-dystroglycanopathy (congenital with brain and eye anomalies), type a, 8. Last evaluated: 2022-10-24. Review status: criteria provided, single submitter. Criteria: Invitae Variant Classification Sherloc (09022015). Collection method: clinical testing. Allele origin: germline.
Comment: This sequence change replaces proline, which is neutral and non-polar, with leucine, which is neutral and non-polar, at codon 469 of the POMGNT2 protein (p.Pro469Leu). This variant is present in population databases (rs369787177, gnomAD 0.02%). This variant has not been reported in the literature in individuals affected with POMGNT2-related conditions. ClinVar contains an entry for this variant (Variation ID: 1025516). Advanced modeling of protein sequence and biophysical properties (such as structural, functional, and spatial information, amino acid conservation, physicochemical variation, residue mobility, and thermodynamic stability) performed at Invitae indicates that this missense variant is not expected to disrupt POMGNT2 protein function. In summary, the available evidence is currently insufficient to determine the role of this variant in disease. Therefore, it has been classified as a Variant of Uncertain Significance.

Mayo Clinic Laboratories, Mayo Clinic
Classification: Uncertain significance. Last evaluated: 2022-03-25. Review status: criteria provided, single submitter. Criteria: ACMG Guidelines, 2015. Collection method: clinical testing. Allele origin: germline. Observed: 1 variant allele.
Comment: BP4, PM2